The following is an entry in ClinVar:

NM_001939.3(DRP2):c.1454+1G>T

Gene: DRP2 (dystrophin related protein 2; plus strand). Cytogenetic location: Xq22.1.
Variant type: single nucleotide variant.
Coding change: c.1454+1G>T on transcript NM_001939.3 (MANE Select); the canonical splice donor site of the intron after coding-DNA position 1454, G replaced by T.
Molecular consequence: splice donor variant.
Genome position (GRCh38, 1-based): chrX:101,248,291, G>T. VCF-style: chrX-101248291-G-T. GRCh37 (hg19) VCF-style: chrX-100503280-G-T.
Other names: c.1220+1G>T (NM_001171184.2).
Identifiers: ClinVar variation 4884717 (VCV004884717.1).

ClinVar aggregate classification (germline): VUS-mid (1 of 4 stars; one submission).

Conditions:
Charcot-Marie-Tooth disease X-linked dominant 1. Also called: GJB1 Disorders: Charcot-Marie-Tooth Neuropathy (CMT1X) and Central Nervous System Phenotypes; HEREDITARY MOTOR AND SENSORY NEUROPATHY, X-LINKED; HMSN, X-LINKED; CHARCOT-MARIE-TOOTH NEUROPATHY, X-LINKED, 1; CHARCOT-MARIE-TOOTH PERONEAL MUSCULAR ATROPHY, X-LINKED; Charcot-Marie-Tooth Neuropathy X Type 1. Identifiers: Orphanet 101075, MedGen C0393808, MONDO:0010549, OMIM 302800.

Submission:

Center for Human Genetics and Genomic Medicine, Uniklinik Rwth Aachen
Classification: VUS-mid for Charcot-Marie-Tooth disease X-linked dominant 1. Last evaluated: 2026-07-27. Review status: criteria provided, single submitter. Criteria: ACMG Guidelines, 2015. Collection method: clinical testing. Allele origin: unknown. Inheritance: X-linked inheritance. Affected: yes. Observed: 1 variant allele, 1 hemizygote.
Comment: The variant is absent from large population databases (PM2_sup). It affects a canonical splice site, and splice predictions indicate aberrant splicing (PP3). Deletion of the following exon would presumably lead to nonsense mediated decay, which is a suggested pathomechanism of DRP2. However, not many families with an X-linked DRP2-associated neuropathy have been described so far, and there is limited evidence for a gene-disease relationship. Segregation anlyses were not possible.